The following is an entry in ClinVar:

NM_001040167.2(LFNG):c.842C>T (p.Thr281Met)

Gene: LFNG (LFNG O-fucosylpeptide 3-beta-N-acetylglucosaminyltransferase; plus strand). Cytogenetic location: 7p22.3.
Variant type: single nucleotide variant.
Coding change: c.842C>T on transcript NM_001040167.2 (MANE Select); coding-DNA position 842, C replaced by T.
Protein change: p.Thr281Met; replaces threonine 281 with methionine.
Molecular consequence: missense variant.
Genome position (GRCh38, 1-based): chr7:2,526,264, C>T. VCF-style: chr7-2526264-C-T. GRCh37 (hg19) VCF-style: chr7-2565898-C-T.
Other names: c.842C>T, p.Thr281Met (NM_001040168.2); c.629C>T, p.Thr210Met (NM_001166355.2); c.455C>T, p.Thr152Met (NM_002304.3); c.842C>T (NM_001040167.1); short protein forms T152M, T210M, T281M.
Identifiers: ClinVar variation 1040378 (VCV001040378.8), dbSNP rs760970272, ClinGen allele CA4127177.

ClinVar aggregate classification (germline): Uncertain significance. Review status: criteria provided, multiple submitters, no conflicts (2 of 4 stars). 2 submissions from 2 submitters: Uncertain significance (2). Last evaluated 2024-11-05.

Conditions:
Inborn genetic diseases. Identifiers: MedGen C0950123, MeSH D030342.
Spondylocostal dysostosis 3, autosomal recessive (SCDO3). Also called: LFNG-Related Spondylocostal Dysostosis, Autosomal Recessive. Identifiers: Orphanet 2311, MedGen C1853296, MONDO:0012349, OMIM 609813.

Allele frequency attached by ClinVar (database versions not stated): gnomAD 0.00001 and 0.00002; TOPMed 0.00003; ExAC 0.00006; gnomAD exomes 0.00007.
gnomAD v4.1: 114 of 1,612,802 alleles (0.0071%); highest among the groups gnomAD compares: Admixed American, 0.018%; no homozygotes.

Submissions (2):

Labcorp Genetics (formerly Invitae), Labcorp
Classification: Uncertain significance for Spondylocostal dysostosis 3, autosomal recessive. Last evaluated: 2024-11-05. Review status: criteria provided, single submitter. Criteria: Invitae Variant Classification Sherloc (09022015). Collection method: clinical testing. Allele origin: germline.
Comment: This sequence change replaces threonine, which is neutral and polar, with methionine, which is neutral and non-polar, at codon 281 of the LFNG protein (p.Thr281Met). This variant is present in population databases (rs760970272, gnomAD 0.02%). This variant has not been reported in the literature in individuals affected with LFNG-related conditions. ClinVar contains an entry for this variant (Variation ID: 1040378). Invitae Evidence Modeling of protein sequence and biophysical properties (such as structural, functional, and spatial information, amino acid conservation, physicochemical variation, residue mobility, and thermodynamic stability) indicates that this missense variant is not expected to disrupt LFNG protein function with a negative predictive value of 80%. In summary, the available evidence is currently insufficient to determine the role of this variant in disease. Therefore, it has been classified as a Variant of Uncertain Significance.

Ambry Genetics
Classification: Uncertain significance for Inborn genetic diseases. Last evaluated: 2022-04-25. Review status: criteria provided, single submitter. Criteria: Ambry Variant Classification Scheme 2023. Collection method: clinical testing. Allele origin: germline.